The following is an entry in ClinVar:

ClinVar aggregate classification (germline): Uncertain significance. Review status: criteria provided, multiple submitters, no conflicts (2 of 4 stars). 2 submissions from 2 submitters: Uncertain significance (2). Last evaluated 2025-07-29.

Conditions:
Familial adenomatous polyposis 1 (FAP1). Also called: FAMILIAL ADENOMATOUS POLYPOSIS 1, ATTENUATED; POLYPOSIS, ADENOMATOUS INTESTINAL. Identifiers: MedGen C2713442, MONDO:0021056, OMIM 175100. Disease mechanism: loss of function.
Hereditary cancer-predisposing syndrome. Also called: Neoplastic Syndromes, Hereditary; Tumor predisposition; Hereditary neoplastic syndrome; Hereditary Cancer Syndrome. Identifiers: Orphanet 140162, MedGen C0027672, MeSH D009386, MONDO:0015356.

Allele frequency attached by ClinVar (database versions not stated): gnomAD exomes below 0.00001; TOPMed below 0.00001.
gnomAD v4.1: 3 of 1,612,210 alleles (0.00019%); highest among the groups gnomAD compares: Non-Finnish European, 0.00025%; no homozygotes.

Submissions (2):

Ambry Genetics
Classification: Uncertain significance for Hereditary cancer-predisposing syndrome. Last evaluated: 2025-07-29. Review status: criteria provided, single submitter. Criteria: Ambry Variant Classification Scheme 2023. Collection method: clinical testing. Allele origin: germline.
Comment: The p.H286R variant (also known as c.857A>G), located in coding exon 8 of the APC gene, results from an A to G substitution at nucleotide position 857. The histidine at codon 286 is replaced by arginine, an amino acid with highly similar properties. This amino acid position is well conserved in available vertebrate species. In addition, in silico predictors for this gene do not accurately predict pathogenicity. Missense alterations in APC are not a common cause of disease (Spier I et al. Genet Med. 2024 Feb;26(2):100992). Based on the available evidence, the clinical significance of this variant remains unclear.

Labcorp Genetics (formerly Invitae), Labcorp
Classification: Uncertain significance for Familial adenomatous polyposis 1. Last evaluated: 2024-04-15. Review status: criteria provided, single submitter. Criteria: Invitae Variant Classification Sherloc (09022015). Collection method: clinical testing. Allele origin: germline.
Comment: This sequence change replaces histidine, which is basic and polar, with arginine, which is basic and polar, at codon 286 of the APC protein (p.His286Arg). This variant is not present in population databases (gnomAD no frequency). This variant has not been reported in the literature in individuals affected with APC-related conditions. ClinVar contains an entry for this variant (Variation ID: 642005). Advanced modeling of protein sequence and biophysical properties (such as structural, functional, and spatial information, amino acid conservation, physicochemical variation, residue mobility, and thermodynamic stability) performed at Invitae indicates that this missense variant is not expected to disrupt APC protein function with a negative predictive value of 95%. In summary, the available evidence is currently insufficient to determine the role of this variant in disease. Therefore, it has been classified as a Variant of Uncertain Significance.

NM_000038.6(APC):c.857A>G (p.His286Arg)

Gene: APC (APC regulator of Wnt signaling pathway; plus strand). Cytogenetic location: 5q22.2.
Variant type: single nucleotide variant.
Coding change: c.857A>G on transcript NM_000038.6 (MANE Select); coding-DNA position 857, A replaced by G.
Protein change: p.His286Arg; replaces histidine 286 with arginine.
Molecular consequence: missense variant.
Genome position (GRCh38, 1-based): chr5:112,815,517, A>G. VCF-style: chr5-112815517-A-G. GRCh37 (hg19) VCF-style: chr5-112151214-A-G.
Other names: c.857A>G, p.His286Arg (NM_001127510.3, NM_001354895.2, NM_001354896.2 and 1 more transcripts); c.803A>G, p.His268Arg (NM_001127511.3); c.887A>G, p.His296Arg (NM_001354897.2, NM_001354902.2); c.782A>G, p.His261Arg (NM_001354898.2, NM_001354904.2); c.773A>G, p.His258Arg (NM_001354899.2); c.680A>G, p.His227Arg (NM_001354900.2, NM_001354901.2, NM_001354905.2); c.8A>G, p.His3Arg (NM_001354906.2); short protein forms H227R, H258R, H261R, H268R, H296R, H3R, H286R.
Identifiers: ClinVar variation 642005 (VCV000642005.11), dbSNP rs1554079141, ClinGen allele CA16023193.